The following is an entry in ClinVar:

ClinVar aggregate classification (germline): Uncertain significance (1 of 4 stars; one submission).

Allele frequency attached by ClinVar (database versions not stated): gnomAD exomes below 0.00001.
gnomAD v4.1: 1 of 1,613,304 alleles (0.000062%); highest among the groups gnomAD compares: Admixed American, 0.0017%; no homozygotes.

Submission:

Labcorp Genetics (formerly Invitae), Labcorp
Classification: Uncertain significance. Last evaluated: 2024-11-11. Review status: criteria provided, single submitter. Criteria: Invitae Variant Classification Sherloc (09022015). Collection method: clinical testing. Allele origin: germline.
Comment: This sequence change replaces aspartic acid, which is acidic and polar, with asparagine, which is neutral and polar, at codon 2442 of the CPLANE1 protein (p.Asp2442Asn). This variant is present in population databases (no rsID available, gnomAD 0.003%). This variant has not been reported in the literature in individuals affected with CPLANE1-related conditions. ClinVar contains an entry for this variant (Variation ID: 1478147). Invitae Evidence Modeling of protein sequence and biophysical properties (such as structural, functional, and spatial information, amino acid conservation, physicochemical variation, residue mobility, and thermodynamic stability) indicates that this missense variant is not expected to disrupt CPLANE1 protein function with a negative predictive value of 95%. Algorithms developed to predict the effect of sequence changes on RNA splicing suggest that this variant may create or strengthen a splice site. In summary, the available evidence is currently insufficient to determine the role of this variant in disease. Therefore, it has been classified as a Variant of Uncertain Significance.

NM_001384732.1(CPLANE1):c.7324G>A (p.Asp2442Asn)

Gene: CPLANE1 (ciliogenesis and planar polarity effector complex subunit 1; minus strand). Cytogenetic location: 5p13.2.
Variant type: single nucleotide variant.
Coding change: c.7324G>A on transcript NM_001384732.1 (MANE Select); coding-DNA position 7324, G replaced by A.
Protein change: p.Asp2442Asn; replaces aspartic acid 2442 with asparagine.
Molecular consequence: missense variant.
Genome position (GRCh38, 1-based): chr5:37,167,123, C>T on the plus strand (G>A on the coding strand, the complement: CPLANE1 is on the minus strand). VCF-style: chr5-37167123-C-T. GRCh37 (hg19) VCF-style: chr5-37167225-C-T.
Other names: c.7324G>A, p.Asp2442Asn (NM_023073.4); short protein forms D2442N.
Identifiers: ClinVar variation 1478147 (VCV001478147.8), dbSNP rs1378331431, ClinGen allele CA359477009.